The following is an entry in ClinVar:

NM_000540.3(RYR1):c.7488G>A (p.Pro2496=)

Gene: RYR1 (ryanodine receptor 1; plus strand). Cytogenetic location: 19q13.2.
Variant type: single nucleotide variant.
Coding change: c.7488G>A on transcript NM_000540.3 (MANE Select); coding-DNA position 7488, G replaced by A.
Protein change: p.Pro2496=; no amino-acid change (proline 2496 retained).
Molecular consequence: synonymous variant.
Genome position (GRCh38, 1-based): chr19:38,500,864, G>A. VCF-style: chr19-38500864-G-A. GRCh37 (hg19) VCF-style: chr19-38991504-G-A.
Other names: c.7488G>A, p.Pro2496= (NM_001042723.2).
Identifiers: ClinVar variation 329063 (VCV000329063.55), dbSNP rs375997435, ClinGen allele CA069727.
Genomic context (GRCh38, chr19:38,500,864, plus strand): 5'-ACCCTCCCTGCCTGCAGATGGGGCTCTGGTGCAGCCAAAGATGTCAGCATCCTTCGTGCC[G>A]GACCACAAGGCGTCCATGGTGCTCTTCCTGGACCGTGTGTATGGCATCGAGAACCAGGAC-3'
Protein context (NP_000531.2, residues 2486-2506): VQPKMSASFV[Pro2496=]DHKASMVLFL

ClinVar aggregate classification (germline): Conflicting classifications of pathogenicity. Review status: criteria provided, conflicting classifications (1 of 4 stars). 7 submissions from 6 submitters: Uncertain significance (3); Likely benign (4). Last evaluated 2025-08-17.

Conditions:
RYR1-related disorder. Also called: RYR1-related condition; RYR1-related disorders. Identifiers: MedGen CN239331.
Congenital multicore myopathy with external ophthalmoplegia (CMYO1B). Also called: Minicore myopathy with external ophthalmoplegia; MULTIMINICORE DISEASE WITH EXTERNAL OPHTHALMOPLEGIA; Congenital myopathy 1B, autosomal recessive; Minicore myopathy; MULTICORE MYOPATHY. Identifiers: Orphanet 598, Orphanet 98905, MedGen C1850674, MONDO:0009712, OMIM 255320, HP:0003789.
Malignant hyperthermia, susceptibility to, 1 (MHS1). Also called: Malignant hyperthermia suceptibility 1; RYR1-Related Malignant Hyperthermia Susceptibility; Anesthesia related hyperthermia; Malignant hyperpyrexia; Fulminating hyperpyrexia; Pharmacogenic myopathy. Identifiers: Orphanet 423, MedGen C2930980, MONDO:0007783, OMIM 145600.

Allele frequency attached by ClinVar (database versions not stated): ExAC 0.00002; gnomAD 0.00002 and 0.00004; gnomAD exomes 0.00002 and 0.00007; TOPMed 0.00005; ESP Exome Variant Server 0.00008.
gnomAD v4.1: 104 of 1,601,612 alleles (0.0065%); highest among the groups gnomAD compares: Non-Finnish European, 0.0084%; no homozygotes.

Submissions (7):

Labcorp Genetics (formerly Invitae), Labcorp
Classification: Likely benign for RYR1-related disorder. Last evaluated: 2025-08-17. Review status: criteria provided, single submitter. Criteria: Invitae Variant Classification Sherloc (09022015). Collection method: clinical testing. Allele origin: germline.

Blueprint Genetics
Classification: Uncertain significance. Last evaluated: 2024-08-20. Review status: criteria provided, single submitter. Criteria: ACMG Guidelines, 2015. Collection method: clinical testing. Allele origin: germline.

All of Us Research Program, National Institutes of Health
Classification: Likely benign for Malignant hyperthermia, susceptibility to, 1. Last evaluated: 2023-12-13. Review status: criteria provided, single submitter. Criteria: ACMG Guidelines, 2015. Collection method: clinical testing. Allele origin: germline. Inheritance: Autosomal dominant inheritance. Observed: 8 variant alleles, 8 heterozygotes.
Comment: This variant is located in the RYR1 protein. To our knowledge, functional studies have not been reported for this variant. This variant has not been reported in individuals affected with RYR1-related disorders in the literature. This variant has been identified in 6/251334 chromosomes in the general population by the Genome Aggregation Database (gnomAD). The available evidence is insufficient to determine the role of this variant in disease conclusively. Therefore, this variant is classified as a Variant of Uncertain Significance.

This study involves interpretation of variants in research participants for the purpose of population health screening. Participant phenotype was not available at the time of variant classification. Additional details can be found in publication PMID: 35346344, PMCID: PMC8962531

Color Diagnostics, LLC DBA Color Health
Classification: Likely benign for Malignant hyperthermia, susceptibility to, 1. Last evaluated: 2023-11-15. Review status: criteria provided, single submitter. Criteria: ACMG Guidelines, 2015. Collection method: clinical testing. Allele origin: germline.

CeGaT Center for Human Genetics Tuebingen
Classification: Likely benign. Last evaluated: 2020-01-01. Review status: criteria provided, single submitter. Criteria: CeGaT Center For Human Genetics Tuebingen Variant Classification Criteria Version 2. Collection method: clinical testing. Allele origin: germline. Affected: yes. Observed: 1 variant allele.

Illumina Laboratory Services, Illumina
Classification: Uncertain significance for Congenital multicore myopathy with external ophthalmoplegia. Last evaluated: 2018-01-13. Review status: criteria provided, single submitter. Criteria: ICSL Variant Classification Criteria 13 December 2019. Collection method: clinical testing. Allele origin: germline.

Illumina Laboratory Services, Illumina
Classification: Uncertain significance for Malignant hyperthermia, susceptibility to, 1. Last evaluated: 2018-01-13. Review status: criteria provided, single submitter. Criteria: ICSL Variant Classification Criteria 13 December 2019. Collection method: clinical testing. Allele origin: germline.